The following is an entry in ClinVar:

ClinVar aggregate classification (germline): Uncertain significance (1 of 4 stars; one submission).

Conditions:
Von Hippel-Lindau syndrome (VHLS). Also called: Von Hippel-Lindau; VHL syndrome; von Hippel–Lindau syndrome. Identifiers: Orphanet 892, MedGen C0019562, MONDO:0008667, OMIM 193300. Disease mechanism: loss of function.
Chuvash polycythemia. Also called: POLYCYTHEMIA, VHL-DEPENDENT. Identifiers: Orphanet 238557, MedGen C1837915, MONDO:0009892, OMIM 263400.

Submission:

Labcorp Genetics (formerly Invitae), Labcorp
Classification: Uncertain significance for Von Hippel-Lindau syndrome; Erythrocytosis, familial, 2. Last evaluated: 2018-12-11. Review status: criteria provided, single submitter. Criteria: Invitae Variant Classification Sherloc (09022015). Collection method: clinical testing. Allele origin: germline.
Comment: This variant is a gross duplication of the genomic region encompassing exon 3 of the VHL gene. The 5' boundary is likely confined to intron 2. The 3' end of this event is unknown as it extends beyond the assayed region for this gene and therefore may encompass additional genes.. This variant has not been reported in the literature in individuals with VHL-related disease. In summary, the exact genomic location of this variant is unknown and the impact of this duplication on VHL protein function has not been established. Therefore, it has been classified as a Variant of Uncertain Significance.

NC_000003.11:g.(?_10191461)_(10191659_?)dup

Genes: VHL (von Hippel-Lindau tumor suppressor; plus strand), LOC107303340 (3p25 von Hippel-Lindau tumor suppressor, E3 ubiquitin protein ligase Alu-mediated recombination region; plus strand). Cytogenetic location: 3p25.3.
Variant type: Duplication.
Identifiers: ClinVar variation 661741 (VCV000661741.1).